The following is an entry in ClinVar:

ClinVar aggregate classification (germline): Likely pathogenic (1 of 4 stars; one submission).

Conditions:
Tuberous sclerosis 2 (TSC2). Identifiers: Orphanet 805, MedGen C1860707, MONDO:0013199, OMIM 613254.

Submission:

Labcorp Genetics (formerly Invitae), Labcorp
Classification: Likely pathogenic for Tuberous sclerosis 2. Last evaluated: 2025-10-03. Review status: criteria provided, single submitter. Criteria: Invitae Variant Classification Sherloc (09022015). Collection method: clinical testing. Allele origin: germline.
Comment: This sequence change affects the initiator codon of the TSC2 mRNA. This change may impact translation initiation or efficiency. The next in-frame methionine is located at codon 50. This variant is not present in population databases (gnomAD no frequency). Disruption of the initiator codon has been observed in individual(s) with clinical features of tuberous sclerosis complex (PMID: 22903760; internal data). Algorithms developed to predict the effect of variants on gene product structure and function are not available or were not evaluated for this variant. Experimental studies have shown that disruption of the initiator codon affects TSC2 function (PMID: 22903760). In summary, the currently available evidence indicates that the variant is pathogenic, but additional data are needed to prove that conclusively. Therefore, this variant has been classified as Likely Pathogenic.

Literature cited by the submitters: PubMed 22903760.

NM_000548.5(TSC2):c.2T>G (p.Met1Arg)

Gene: TSC2 (TSC complex subunit 2; plus strand). Cytogenetic location: 16p13.3.
Variant type: single nucleotide variant.
Coding change: c.2T>G on transcript NM_000548.5 (MANE Select); coding-DNA position 2, T replaced by G.
Protein change: p.Met1Arg; changes the start codon (methionine 1).
Molecular consequence: missense variant, initiator codon variant. On other transcripts: 5 prime UTR variant (19), non-coding transcript variant (5), intron variant (6).
Genome position (GRCh38, 1-based): chr16:2,048,617, T>G. VCF-style: chr16-2048617-T-G. GRCh37 (hg19) VCF-style: chr16-2098618-T-G.
Other names: c.2T>G, p.Met1Arg (NM_001077183.3, NM_001114382.3, NM_001318827.2 and 13 more transcripts); c.-225T>G (NM_001318831.2, NM_001406682.1, NM_001406684.1 and 2 more transcripts); c.35T>G, p.Met12Arg (NM_001318832.2); c.-815T>G (NM_001406680.1, NM_001406683.1, NM_001406687.1); c.-444T>G (NM_001406681.1); c.-1430T>G (NM_001406689.1, NM_001406690.1, NM_001406691.1 and 2 more transcripts); c.-1736T>G (NM_001406693.1); c.-1311T>G (NM_001406694.1, NM_001406695.1); and 4 more; short protein forms M12R, M1R.
Identifiers: ClinVar variation 4802825 (VCV004802825.1).